The following is an entry in ClinVar:

NM_001164277.2(SLC37A4):c.365G>A (p.Gly122Glu)

Gene: SLC37A4 (solute carrier family 37 member 4; minus strand). Cytogenetic location: 11q23.3.
Variant type: single nucleotide variant.
Coding change: c.365G>A on transcript NM_001164277.2 (MANE Select); coding-DNA position 365, G replaced by A.
Protein change: p.Gly122Glu; replaces glycine 122 with glutamic acid.
Molecular consequence: missense variant.
Genome position (GRCh38, 1-based): chr11:119,028,210, C>T on the plus strand (G>A on the coding strand, the complement: SLC37A4 is on the minus strand). VCF-style: chr11-119028210-C-T. GRCh37 (hg19) VCF-style: chr11-118898920-C-T.
Other names: c.365G>A, p.Gly122Glu (NM_001467.6, NM_001164278.2, NM_001164280.2); c.146G>A, p.Gly49Glu (NM_001164279.2); short protein forms G122E, G49E.
Identifiers: ClinVar variation 2678950 (VCV002678950.3), dbSNP rs1943632639, ClinGen allele CA382904514.

ClinVar aggregate classification (germline): Likely pathogenic. Review status: criteria provided, multiple submitters, no conflicts (2 of 4 stars). 2 submissions from 2 submitters: Likely pathogenic (2). Last evaluated 2025-06-11.

Conditions:
Glucose-6-phosphate transport defect (GSD1B). Also called: Glycogen Storage Disease Type Ib; GSD Ib. Identifiers: Orphanet 364, Orphanet 79259, MedGen C0268146, MONDO:0009288, OMIM 232220.

Allele frequency attached by ClinVar (database versions not stated): gnomAD 0.00001.

Submissions (2):

Natera, Inc.
Classification: Likely pathogenic for Glycogen storage disease type Ib. Last evaluated: 2025-06-11. Review status: criteria provided, single submitter. Criteria: Natera Variant Classification Schema (03/2026). Collection method: clinical testing. Allele origin: germline.
Comment: The c.365G>A variant in SLC37A4 is a missense variant predicted to cause substitution of glycine to glutamic acid at amino acid 122. This variant is rare in the general population with a frequency below the threshold expected for the associated phenotype(s). This variant has been observed in one or more individuals affected with the associated recessive disease, as either homozygous or compound heterozygous with a second variant (PMID: 37791580, 32005221, 33834518). This variant has been identified in one or more affected individuals with a phenotype highly consistent with the associated gene (PMID: 32005221). Computational prediction algorithms indicate this variant is likely to affect gene or protein function. Given the available evidence, this variant is classified as Likely Pathogenic.

Baylor Genetics
Classification: Likely pathogenic for Glucose-6-phosphate transport defect. Last evaluated: 2024-01-06. Review status: criteria provided, single submitter. Criteria: ACMG Guidelines, 2015. Collection method: clinical testing. Allele origin: unknown.

Literature cited by the submitters: PubMed 37791580 (cited by Natera, Inc.); PubMed 32005221 (cited by Natera, Inc.); PubMed 33834518 (cited by Natera, Inc.).